The following is an entry in ClinVar:

NM_014391.3(ANKRD1):c.353C>T (p.Pro118Leu)

Gene: ANKRD1 (ankyrin repeat domain 1; minus strand). Cytogenetic location: 10q23.31.
Variant type: single nucleotide variant.
Coding change: c.353C>T on transcript NM_014391.3 (MANE Select); coding-DNA position 353, C replaced by T.
Protein change: p.Pro118Leu; replaces proline 118 with leucine.
Molecular consequence: missense variant.
Genome position (GRCh38, 1-based): chr10:90,918,965, G>A on the plus strand (C>T on the coding strand, the complement: ANKRD1 is on the minus strand). VCF-style: chr10-90918965-G-A. GRCh37 (hg19) VCF-style: chr10-92678722-G-A.
Other names: short protein forms P118L.
Identifiers: ClinVar variation 3543064 (VCV003543064.1).
Genomic context (GRCh38, chr10:90,918,965, plus strand): 5'-TTTTCTACTACTGGCAGTTTATTCTCCAGAGCAGCCTTCAGAAACGTAGGCACATCCACA[G>A]GTTCCGTCTAAAGCCAAAATAAATAAATATATATATATATATATATATATAGCATGAGAG-3'
Protein context (NP_055206.2, residues 108-128): KEPEPEIITE[Pro118Leu]VDVPTFLKAA

ClinVar aggregate classification (germline): Uncertain significance (1 of 4 stars; one submission).

Conditions:
Cardiovascular phenotype. Identifiers: MedGen CN230736.

Submission:

Ambry Genetics
Classification: Uncertain significance for Cardiovascular phenotype. Last evaluated: 2024-08-28. Review status: criteria provided, single submitter. Criteria: Ambry Variant Classification Scheme 2023. Collection method: clinical testing. Allele origin: germline.
Comment: The p.P118L variant (also known as c.353C>T), located in coding exon 4 of the ANKRD1 gene, results from a C to T substitution at nucleotide position 353. The proline at codon 118 is replaced by leucine, an amino acid with similar properties. This amino acid position is conserved. In addition, this alteration is predicted to be tolerated by in silico analysis. Based on the available evidence, the clinical significance of this variant remains unclear.